The following is an entry in ClinVar:

ClinVar aggregate classification (germline): Uncertain significance. Review status: criteria provided, multiple submitters, no conflicts (2 of 4 stars). 2 submissions from 2 submitters: Uncertain significance (2). Last evaluated 2024-10-08.

Allele frequency attached by ClinVar (database versions not stated): ExAC 0.00001; gnomAD exomes 0.00001.
gnomAD v4.1: 12 of 1,613,930 alleles (0.00074%); highest among the groups gnomAD compares: East Asian, 0.0022%; no homozygotes.

Submissions (2):

Ambry Genetics
Classification: Uncertain significance. Last evaluated: 2024-10-08. Review status: criteria provided, single submitter. Criteria: Ambry Variant Classification Scheme 2023. Collection method: clinical testing. Allele origin: germline.

Labcorp Genetics (formerly Invitae), Labcorp
Classification: Uncertain significance. Last evaluated: 2022-11-01. Review status: criteria provided, single submitter. Criteria: Invitae Variant Classification Sherloc (09022015). Collection method: clinical testing. Allele origin: germline.
Comment: In summary, the available evidence is currently insufficient to determine the role of this variant in disease. Therefore, it has been classified as a Variant of Uncertain Significance. Algorithms developed to predict the effect of missense changes on protein structure and function are either unavailable or do not agree on the potential impact of this missense change (SIFT: "Deleterious"; PolyPhen-2: "Probably Damaging"; Align-GVGD: "Class C15"). This variant has not been reported in the literature in individuals affected with ARSG-related conditions. This variant is present in population databases (rs772593633, gnomAD 0.003%). This sequence change replaces arginine, which is basic and polar, with cysteine, which is neutral and slightly polar, at codon 521 of the ARSG protein (p.Arg521Cys).

NM_001267727.2(ARSG):c.1561C>T (p.Arg521Cys)

Genes: ARSG (arylsulfatase G; plus strand), PRKAR1A (protein kinase cAMP-dependent type I regulatory subunit alpha; plus strand). Cytogenetic location: 17q24.2.
Variant type: single nucleotide variant.
Coding change: c.1561C>T on transcript NM_001267727.2 (MANE Select); coding-DNA position 1561, C replaced by T.
Protein change: p.Arg521Cys; replaces arginine 521 with cysteine.
Molecular consequence: missense variant. On other transcripts: intron variant (3).
Genome position (GRCh38, 1-based): chr17:68,420,446, C>T. VCF-style: chr17-68420446-C-T. GRCh37 (hg19) VCF-style: chr17-66416587-C-T.
Other names: c.1561C>T, p.Arg521Cys (NM_001352899.2, NM_001352900.2, NM_001352901.2 and 2 more transcripts); c.1558C>T, p.Arg520Cys (NM_001352903.2, NM_001352904.2, NM_001352905.2 and 2 more transcripts); c.1303+18996C>T (NM_001352910.2); c.1255+18996C>T (NM_001352909.2); c.-7+6651C>T (NM_001278433.2); short protein forms R521C, R520C.
Identifiers: ClinVar variation 1914446 (VCV001914446.5), dbSNP rs772593633, ClinGen allele CA8728607.
Genomic context (GRCh38, chr17:68,420,446, plus strand): 5'-GCAGATTACACTCAGGACCCTTCAGTAACTCCCTGCTGTAATCCCTACCAAATTGCCTGC[C>T]GCTGTCAAGCCGCATAACAGACCAATTTTTATTCCACGAGGAGGAGTACCTGGAAATTAG-3'
Protein context (NP_001254656.1, residues 511-525): PCCNPYQIAC[Arg521Cys]CQAA